The following is an entry in ClinVar:

NM_001378778.1(MPDZ):c.1813A>G (p.Ile605Val)

Gene: MPDZ (multiple PDZ domain crumbs cell polarity complex component; minus strand). Cytogenetic location: 9p23.
Variant type: single nucleotide variant.
Coding change: c.1813A>G on transcript NM_001378778.1 (MANE Select); coding-DNA position 1813, A replaced by G.
Protein change: p.Ile605Val; replaces isoleucine 605 with valine.
Molecular consequence: missense variant.
Genome position (GRCh38, 1-based): chr9:13,192,286, T>C on the plus strand (A>G on the coding strand, the complement: MPDZ is on the minus strand). VCF-style: chr9-13192286-T-C. GRCh37 (hg19) VCF-style: chr9-13192285-T-C.
Other names: c.1813A>G (NM_003829.3); c.1813A>G, p.Ile605Val (NM_001261406.2, NM_001261407.2, NM_001330637.2 and 14 more transcripts); short protein forms I605V.
Identifiers: ClinVar variation 1045239 (VCV001045239.9), dbSNP rs200101388, ClinGen allele CA4987651.

ClinVar aggregate classification (germline): Conflicting classifications of pathogenicity. Review status: criteria provided, conflicting classifications (1 of 4 stars). 3 submissions from 3 submitters: Uncertain significance (2); Likely benign (1). Last evaluated 2026-08-07.

Conditions:
Inborn genetic diseases. Identifiers: MedGen C0950123, MeSH D030342.

Allele frequency attached by ClinVar (database versions not stated): TOPMed 0.00056; ESP Exome Variant Server 0.00092; gnomAD 0.00050 and 0.00063; 1000 Genomes Project 0.00100; 1000 Genomes Project 30x 0.00109.
gnomAD v4.1: 1,233 of 1,596,560 alleles (0.077%); highest among the groups gnomAD compares: Non-Finnish European, 0.098%; 3 homozygotes.

Submissions (3):

Ambry Genetics
Classification: Likely benign for Inborn genetic diseases. Last evaluated: 2026-08-07. Review status: criteria provided, single submitter. Criteria: Ambry Variant Classification Scheme 2023. Collection method: clinical testing. Allele origin: germline.

Labcorp Genetics (formerly Invitae), Labcorp
Classification: Uncertain significance. Last evaluated: 2026-01-26. Review status: criteria provided, single submitter. Criteria: Invitae Variant Classification Sherloc (09022015). Collection method: clinical testing. Allele origin: germline.
Comment: This sequence change replaces isoleucine, which is neutral and non-polar, with valine, which is neutral and non-polar, at codon 605 of the MPDZ protein (p.Ile605Val). This variant is present in population databases (rs200101388, gnomAD 0.05%). This variant has not been reported in the literature in individuals affected with MPDZ-related conditions. ClinVar contains an entry for this variant (Variation ID: 1045239). An algorithm developed to predict the effect of missense changes on protein structure and function (PolyPhen-2) suggests that this variant is likely to be disruptive. In summary, the available evidence is currently insufficient to determine the role of this variant in disease. Therefore, it has been classified as a Variant of Uncertain Significance.

Breakthrough Genomics
Classification: Uncertain significance. Review status: criteria provided, single submitter. Criteria: ACMG Guidelines, 2015. Collection method: not provided. Allele origin: germline. Inheritance: Autosomal recessive inheritance. Affected: yes.